The following is an entry in ClinVar:

NM_014244.5(ADAMTS2):c.1030C>T (p.Arg344Cys)

Gene: ADAMTS2 (ADAM metallopeptidase with thrombospondin type 1 motif 2; minus strand). Cytogenetic location: 5q35.3.
Variant type: single nucleotide variant.
Coding change: c.1030C>T on transcript NM_014244.5 (MANE Select); coding-DNA position 1030, C replaced by T.
Protein change: p.Arg344Cys; replaces arginine 344 with cysteine.
Molecular consequence: missense variant.
Genome position (GRCh38, 1-based): chr5:179,158,825, G>A on the plus strand (C>T on the coding strand, the complement: ADAMTS2 is on the minus strand). VCF-style: chr5-179158825-G-A. GRCh37 (hg19) VCF-style: chr5-178585826-G-A.
Other names: c.1030C>T, p.Arg344Cys (NM_021599.4); short protein forms R344C.
Identifiers: ClinVar variation 580145 (VCV000580145.12), dbSNP rs751283120, ClinGen allele CA3596058.
Genomic context (GRCh38, chr5:179,158,825, plus strand): 5'-TGGCGTGATCGTGGTATTCATCGTGGCCCGTGTCTGGCTTCTGCTGGAGGTAGGCCCAGC[G>A]GCAGACATTCTCCAGGCTCTGAGAGGGGTTCCCGATCTCGATGAGGCTCATGGACTGCAG-3'
Protein context (NP_055059.2, residues 334-354): NPSQSLENVC[Arg344Cys]WAYLQQKPDT

ClinVar aggregate classification (germline): Uncertain significance. Review status: criteria provided, multiple submitters, no conflicts (2 of 4 stars). 4 submissions from 4 submitters: Uncertain significance (3). 1 of the submissions does not count toward it. Last evaluated 2023-02-27.

Conditions:
Ehlers-Danlos syndrome, dermatosparaxis type. Also called: Dermatosparaxis; Ehlers-Danlos syndrome, type VII, autosomal recessive; EDS VIIC. Identifiers: Orphanet 1901, MedGen C2700425, MONDO:0009161, OMIM 225410.

Allele frequency attached by ClinVar (database versions not stated): gnomAD 0.00001; TOPMed 0.00001; gnomAD exomes 0.00002 and 0.00005; ExAC 0.00003.
gnomAD v4.1: 30 of 1,614,052 alleles (0.0019%); highest among the groups gnomAD compares: Admixed American, 0.01%; no homozygotes.

Submissions (4):

GeneDx
Classification: Uncertain significance. Last evaluated: 2023-02-27. Review status: criteria provided, single submitter. Criteria: GeneDx Variant Classification Process June 2021. Collection method: clinical testing. Allele origin: germline. Affected: yes.
Comment: Not observed at significant frequency in large population cohorts (gnomAD); In silico analysis supports that this missense variant has a deleterious effect on protein structure/function; Has not been previously published as pathogenic or benign to our knowledge

Labcorp Genetics (formerly Invitae), Labcorp
Classification: Uncertain significance for Ehlers-Danlos syndrome, dermatosparaxis type. Last evaluated: 2021-11-26. Review status: criteria provided, single submitter. Criteria: Invitae Variant Classification Sherloc (09022015). Collection method: clinical testing. Allele origin: germline.
Comment: This sequence change replaces arginine, which is basic and polar, with cysteine, which is neutral and slightly polar, at codon 344 of the ADAMTS2 protein (p.Arg344Cys). This variant is present in population databases (rs751283120, gnomAD 0.01%). This variant has not been reported in the literature in individuals affected with ADAMTS2-related conditions. ClinVar contains an entry for this variant (Variation ID: 580145). Algorithms developed to predict the effect of missense changes on protein structure and function (SIFT, PolyPhen-2, Align-GVGD) all suggest that this variant is likely to be disruptive. In summary, the available evidence is currently insufficient to determine the role of this variant in disease. Therefore, it has been classified as a Variant of Uncertain Significance.

Mayo Clinic Laboratories, Mayo Clinic
Classification: Uncertain significance. Last evaluated: 2019-05-26. Review status: criteria provided, single submitter. Criteria: ACMG Guidelines, 2015. Collection method: clinical testing. Allele origin: germline. Observed: 1 variant allele.

Natera, Inc.
Classification: Uncertain significance for Ehlers-Danlos syndrome type VIIC. Last evaluated: 2019-10-28. Review status: no assertion criteria provided. Collection method: clinical testing. Allele origin: germline. Not counted in ClinVar's aggregate classification.